The following is an entry in ClinVar:

NM_020843.4(SCAPER):c.3077C>T (p.Thr1026Met)

Gene: SCAPER (S-phase cyclin A associated protein in the ER; minus strand). Cytogenetic location: 15q24.3.
Variant type: single nucleotide variant.
Coding change: c.3077C>T on transcript NM_020843.4 (MANE Select); coding-DNA position 3077, C replaced by T.
Protein change: p.Thr1026Met; replaces threonine 1026 with methionine.
Molecular consequence: missense variant. On other transcripts: non-coding transcript variant (1).
Genome position (GRCh38, 1-based): chr15:76,471,213, G>A on the plus strand (C>T on the coding strand, the complement: SCAPER is on the minus strand). VCF-style: chr15-76471213-G-A. GRCh37 (hg19) VCF-style: chr15-76763554-G-A.
Other names: c.2339C>T, p.Thr780Met (NM_001145923.2); c.3095C>T, p.Thr1032Met (NM_001353009.2); c.2675C>T, p.Thr892Met (NM_001353010.2, NM_001353012.2); c.2693C>T, p.Thr898Met (NM_001353011.2); c.3095C>T (NM_001353009.1); short protein forms T892M, T898M, T1026M, T780M, T1032M.
Identifiers: ClinVar variation 2275804 (VCV002275804.4), dbSNP rs757884889, ClinGen allele CA7674539.

ClinVar aggregate classification (germline): Uncertain significance. Review status: criteria provided, multiple submitters, no conflicts (2 of 4 stars). 2 submissions from 2 submitters: Uncertain significance (2). Last evaluated 2026-07-13.

Conditions:
SCAPER-related disorder. Also called: SCAPER-related condition.
Inborn genetic diseases. Identifiers: MedGen C0950123, MeSH D030342.

Allele frequency attached by ClinVar (database versions not stated): gnomAD 0.00003; gnomAD exomes 0.00003; ExAC 0.00004; TOPMed 0.00005.
gnomAD v4.1: 49 of 1,601,238 alleles (0.0031%); highest among the groups gnomAD compares: African/African-American, 0.0081%; no homozygotes.

Submissions (2):

PreventionGenetics, part of Exact Sciences
Classification: Uncertain significance for SCAPER-related condition. Last evaluated: 2026-07-13. Review status: criteria provided, single submitter. Criteria: ACMG Guidelines, 2015. Collection method: clinical testing. Allele origin: germline.
Comment: The SCAPER c.3095C>T variant is predicted to result in the amino acid substitution p.Thr1032Met. To our knowledge, this variant has not been reported in the literature. This variant is reported in 0.059% of alleles in individuals of Ashkenazi Jewish descent in gnomAD. Although we suspect that this variant may be benign, at this time, the clinical significance of this variant is uncertain due to the absence of conclusive functional and genetic evidence.

Ambry Genetics
Classification: Uncertain significance for Inborn genetic diseases. Last evaluated: 2025-03-25. Review status: criteria provided, single submitter. Criteria: Ambry Variant Classification Scheme 2023. Collection method: clinical testing. Allele origin: germline.